The following is an entry in ClinVar:

NM_001163809.2(WDR81):c.5556C>T (p.Thr1852=)

Gene: WDR81 (WD repeat domain 81; plus strand). Cytogenetic location: 17p13.3.
Variant type: single nucleotide variant.
Coding change: c.5556C>T on transcript NM_001163809.2 (MANE Select); coding-DNA position 5556, C replaced by T.
Protein change: p.Thr1852=; no amino-acid change (threonine 1852 retained).
Molecular consequence: synonymous variant.
Genome position (GRCh38, 1-based): chr17:1,737,415, C>T. VCF-style: chr17-1737415-C-T. GRCh37 (hg19) VCF-style: chr17-1640709-C-T.
Other names: p.Thr1852=; c.1947C>T, p.Thr649= (NM_001163673.2); c.1875C>T, p.Thr625= (NM_001163811.2); c.2403C>T, p.Thr801= (NM_152348.4).
Identifiers: ClinVar variation 130745 (VCV000130745.14), dbSNP rs1045794, ClinGen allele CA156002.

ClinVar aggregate classification (germline): Benign. Review status: criteria provided, multiple submitters, no conflicts (2 of 4 stars). 7 submissions from 6 submitters: Benign (6). 1 of the submissions does not count toward it. Last evaluated 2024-11-28.

Conditions:
Hydrocephalus, congenital, 3, with brain anomalies. Also called: HYDROCEPHALUS, NONSYNDROMIC, AUTOSOMAL RECESSIVE 3. Identifiers: MedGen C4747885, MONDO:0054794, OMIM 617967.
Cerebellar ataxia, impaired intellectual development, and dysequilibrium syndrome 2. Also called: CEREBELLAR ATAXIA, MENTAL RETARDATION, AND DYSEQUILIBRIUM SYNDROME 2; CEREBELLAR ATAXIA AND MENTAL RETARDATION WITH OR WITHOUT QUADRUPEDAL LOCOMOTION 2; Cerebellar ataxia, intellectual disability, and dysequilibrium syndrome 2. Identifiers: Orphanet 1766, MedGen C2750234, MONDO:0012430, OMIM 610185.

Allele frequency attached by ClinVar (database versions not stated): 1000 Genomes Project 30x 0.14725; 1000 Genomes Project 0.14756; TOPMed 0.16875; ESP Exome Variant Server 0.17469.
gnomAD v4.1: 337,140 of 1,612,654 alleles (21%); highest among the groups gnomAD compares: Non-Finnish European, 23%; 36,835 homozygotes.

Submissions (7):

Blueprint Genetics
Classification: Benign. Last evaluated: 2024-11-28. Review status: criteria provided, single submitter. Criteria: ACMG Guidelines, 2015. Collection method: clinical testing. Allele origin: germline.

Mayo Clinic Laboratories, Mayo Clinic
Classification: Benign. Last evaluated: 2022-03-24. Review status: criteria provided, single submitter. Criteria: ACMG Guidelines, 2015. Collection method: clinical testing. Allele origin: germline. Observed: 179 variant alleles.

GeneDx
Classification: Benign. Last evaluated: 2021-07-29. Review status: criteria provided, single submitter. Criteria: GeneDx Variant Classification Process June 2021. Collection method: clinical testing. Allele origin: germline. Affected: yes.

Genome-Nilou Lab
Classification: Benign for Cerebellar ataxia, impaired intellectual development, and dysequilibrium syndrome 2. Last evaluated: 2021-07-14. Review status: criteria provided, single submitter. Criteria: ACMG Guidelines, 2015. Collection method: clinical testing. Allele origin: germline. Affected: no.

Genome-Nilou Lab
Classification: Benign for Hydrocephalus, congenital, 3, with brain anomalies. Last evaluated: 2021-07-14. Review status: criteria provided, single submitter. Criteria: ACMG Guidelines, 2015. Collection method: clinical testing. Allele origin: germline. Affected: no.

Breakthrough Genomics
Classification: Benign. Review status: criteria provided, single submitter. Criteria: ACMG Guidelines, 2015. Collection method: not provided. Allele origin: germline. Inheritance: Autosomal recessive inheritance. Affected: yes.

Genetic Services Laboratory, University of Chicago
Classification: Likely benign for AllHighlyPenetrant. Review status: no assertion criteria provided. Collection method: clinical testing. Allele origin: germline. Inheritance: Autosomal recessive inheritance. Not counted in ClinVar's aggregate classification.
Comment: Likely benign based on allele frequency in 1000 Genomes Project or ESP global frequency and its presence in a patient with a rare or unrelated disease phenotype. NOT Sanger confirmed.